The following is an entry in ClinVar:

NM_032382.5(COG8):c.377+10G>A

Gene: COG8 (component of oligomeric golgi complex 8; minus strand). Cytogenetic location: 16q22.1.
Variant type: single nucleotide variant.
Coding change: c.377+10G>A on transcript NM_032382.5 (MANE Select); 10 bases into the intron after coding-DNA position 377, G replaced by A.
Molecular consequence: intron variant.
Genome position (GRCh38, 1-based): chr16:69,339,166, C>T on the plus strand (G>A on the coding strand, the complement: COG8 is on the minus strand). VCF-style: chr16-69339166-C-T. GRCh37 (hg19) VCF-style: chr16-69373069-C-T.
Other names: c.377+10G>A (NM_001374871.1).
Identifiers: ClinVar variation 740976 (VCV000740976.5), dbSNP rs766794249, ClinGen allele CA8133994.

ClinVar aggregate classification (germline): Likely benign. Review status: criteria provided, single submitter (1 of 4 stars). 2 submissions from 2 submitters: Likely benign (1). 1 of the submissions does not count toward it. Last evaluated 2018-04-18.

Conditions:
COG8-related disorder. Also called: COG8-related condition.

Allele frequency attached by ClinVar (database versions not stated): TOPMed 0.00001; ExAC 0.00001.
gnomAD v4.1: 36 of 1,612,818 alleles (0.0022%); highest among the groups gnomAD compares: Non-Finnish European, 0.003%; no homozygotes.

Submissions (2):

Labcorp Genetics (formerly Invitae), Labcorp
Classification: Likely benign. Last evaluated: 2018-04-18. Review status: criteria provided, single submitter. Criteria: Invitae Variant Classification Sherloc (09022015). Collection method: clinical testing. Allele origin: germline.

PreventionGenetics, part of Exact Sciences
Classification: Likely benign for COG8-related condition. Last evaluated: 2020-09-03. Review status: no assertion criteria provided. Collection method: clinical testing. Allele origin: germline. Not counted in ClinVar's aggregate classification.
Comment: This variant is classified as likely benign based on ACMG/AMP sequence variant interpretation guidelines (Richards et al. 2015 PMID: 25741868, with internal and published modifications).